The following is an entry in ClinVar:

ClinVar aggregate classification (germline): Uncertain significance (1 of 4 stars; one submission).

Allele frequency attached by ClinVar (database versions not stated): gnomAD 0.00001; TOPMed 0.00001.

Submission:

Labcorp Genetics (formerly Invitae), Labcorp
Classification: Uncertain significance. Last evaluated: 2022-03-07. Review status: criteria provided, single submitter. Criteria: Invitae Variant Classification Sherloc (09022015). Collection method: clinical testing. Allele origin: germline.
Comment: In summary, the available evidence is currently insufficient to determine the role of this variant in disease. Therefore, it has been classified as a Variant of Uncertain Significance. Algorithms developed to predict the effect of missense changes on protein structure and function (SIFT, PolyPhen-2, Align-GVGD) all suggest that this variant is likely to be tolerated. This variant has not been reported in the literature in individuals affected with SPPL2A-related conditions. This variant is not present in population databases (gnomAD no frequency). This sequence change replaces leucine, which is neutral and non-polar, with proline, which is neutral and non-polar, at codon 15 of the SPPL2A protein (p.Leu15Pro).

NM_032802.4(SPPL2A):c.44T>C (p.Leu15Pro)

Genes: SPPL2A (signal peptide peptidase like 2A; minus strand), LOC130057047 (ATAC-STARR-seq lymphoblastoid silent region 6430; plus strand). Cytogenetic location: 15q21.2.
Variant type: single nucleotide variant.
Coding change: c.44T>C on transcript NM_032802.4 (MANE Select); coding-DNA position 44, T replaced by C.
Protein change: p.Leu15Pro; replaces leucine 15 with proline.
Molecular consequence: missense variant.
Genome position (GRCh38, 1-based): chr15:50,765,490, A>G on the plus strand (T>C on the coding strand, the complement: SPPL2A is on the minus strand). VCF-style: chr15-50765490-A-G. GRCh37 (hg19) VCF-style: chr15-51057687-A-G.
Other names: short protein forms L15P.
Identifiers: ClinVar variation 1443161 (VCV001443161.6), dbSNP rs1419725000, ClinGen allele CA392462313.